The following is an entry in ClinVar:

NM_000548.5(TSC2):c.3398-6C>T

Gene: TSC2 (TSC complex subunit 2; plus strand). Cytogenetic location: 16p13.3.
Variant type: single nucleotide variant.
Coding change: c.3398-6C>T on transcript NM_000548.5 (MANE Select); 6 bases into the intron before coding-DNA position 3398, C replaced by T.
Molecular consequence: intron variant.
Genome position (GRCh38, 1-based): chr16:2,080,159, C>T. VCF-style: chr16-2080159-C-T. GRCh37 (hg19) VCF-style: chr16-2130160-C-T.
Other names: c.3398-6C>T (NM_001114382.3); c.3269-6C>T (NM_021055.3, NM_001370405.1, NM_001363528.2); c.3266-6C>T (NM_001370404.1, NM_001077183.3); c.3158-6C>T (NM_001318827.2); c.2666-6C>T (NM_001318831.2); c.3122-6C>T (NM_001318829.2); c.3299-6C>T (NM_001318832.2).
Identifiers: ClinVar variation 536029 (VCV000536029.12), dbSNP rs1555511284, ClinGen allele CA658798465.

ClinVar aggregate classification (germline): Likely benign. Review status: criteria provided, multiple submitters, no conflicts (2 of 4 stars). 3 submissions from 3 submitters: Likely benign (3). Last evaluated 2025-09-27.

Conditions:
Tuberous sclerosis syndrome (TSC). Also called: Tuberous Sclerosis Complex; Tuberous sclerosis. Identifiers: Orphanet 805, MedGen C0041341, MONDO:0001734.
Tuberous sclerosis 2 (TSC2). Identifiers: Orphanet 805, MedGen C1860707, MONDO:0013199, OMIM 613254.

Allele frequency attached by ClinVar (database versions not stated): gnomAD exomes below 0.00001.
gnomAD v4.1: 1 of 1,612,914 alleles (0.000062%); highest among the groups gnomAD compares: Middle Eastern, 0.017%; no homozygotes.

Submissions (3):

Labcorp Genetics (formerly Invitae), Labcorp
Classification: Likely benign for Tuberous sclerosis 2. Last evaluated: 2025-09-27. Review status: criteria provided, single submitter. Criteria: Invitae Variant Classification Sherloc (09022015). Collection method: clinical testing. Allele origin: germline.

Myriad Genetics, Inc.
Classification: Likely benign for Tuberous sclerosis 2. Last evaluated: 2025-05-29. Review status: criteria provided, single submitter. Criteria: Myriad Autosomal Dominant, Autosomal Recessive and X-Linked Classification Criteria (2023). Collection method: clinical testing. Allele origin: unknown.
Comment: This variant is considered likely benign. This variant is intronic and is not expected to impact mRNA splicing.

All of Us Research Program, National Institutes of Health
Classification: Likely benign for Tuberous sclerosis syndrome. Last evaluated: 2023-12-13. Review status: criteria provided, single submitter. Criteria: ACMG Guidelines, 2015. Collection method: clinical testing. Allele origin: germline. Inheritance: Autosomal dominant inheritance. Observed: 1 variant allele, 1 heterozygote.
Comment: This study involves interpretation of variants in research participants for the purpose of population health screening. Participant phenotype was not available at the time of variant classification. Additional details can be found in publication PMID: 35346344, PMCID: PMC8962531